The following is an entry in ClinVar:

ClinVar aggregate classification (germline): Conflicting classifications of pathogenicity. Review status: criteria provided, conflicting classifications (1 of 4 stars). 5 submissions from 5 submitters: Uncertain significance (1); Benign (1); Likely benign (3). Last evaluated 2026-09-01.

Conditions:
SBF1-related disorder. Also called: SBF1-related condition.

Allele frequency attached by ClinVar (database versions not stated): gnomAD exomes 0.00031; ExAC 0.00087; ESP Exome Variant Server 0.00230; gnomAD 0.00236 and 0.00271; TOPMed 0.00299; 1000 Genomes Project 0.00300; 1000 Genomes Project 30x 0.00328.

Submissions (5):

CeGaT Center for Human Genetics Tuebingen
Classification: Likely benign. Last evaluated: 2026-09-01. Review status: criteria provided, single submitter. Criteria: CeGaT Center For Human Genetics Tuebingen Variant Classification Criteria Version 2. Collection method: clinical testing. Allele origin: germline. Affected: yes. Observed: 1 variant allele.
Comment: SBF1: BS2

PreventionGenetics, part of Exact Sciences
Classification: Likely benign for SBF1-related condition. Last evaluated: 2026-02-20. Review status: criteria provided, single submitter. Criteria: ACMG Guidelines, 2015. Collection method: clinical testing. Allele origin: germline.
Comment: This variant is classified as likely benign based on ACMG/AMP sequence variant interpretation guidelines (Richards et al. 2015 PMID: 25741868, with internal and published modifications).

Labcorp Genetics (formerly Invitae), Labcorp
Classification: Benign. Last evaluated: 2026-01-05. Review status: criteria provided, single submitter. Criteria: Invitae Variant Classification Sherloc (09022015). Collection method: clinical testing. Allele origin: germline.

Mayo Clinic Laboratories, Mayo Clinic
Classification: Likely benign. Last evaluated: 2025-07-02. Review status: criteria provided, single submitter. Criteria: ACMG Guidelines, 2015. Collection method: clinical testing. Allele origin: germline. Observed: 1 variant allele.
Comment: BS1, BP4

GeneDx
Classification: Uncertain significance. Last evaluated: 2019-07-25. Review status: criteria provided, single submitter. Criteria: GeneDx Variant Classification Process June 2021. Collection method: clinical testing. Allele origin: germline. Affected: yes.
Comment: In silico analysis, which includes protein predictors and evolutionary conservation, supports a deleterious effect; Has not been previously published as pathogenic or benign to our knowledge

NM_002972.4(SBF1):c.1058C>T (p.Pro353Leu)

Gene: SBF1 (SET binding factor 1; minus strand). Cytogenetic location: 22q13.33.
Variant type: single nucleotide variant.
Coding change: c.1058C>T on transcript NM_002972.4 (MANE Select); coding-DNA position 1058, C replaced by T.
Protein change: p.Pro353Leu; replaces proline 353 with leucine.
Molecular consequence: missense variant.
Genome position (GRCh38, 1-based): chr22:50,465,794, G>A on the plus strand (C>T on the coding strand, the complement: SBF1 is on the minus strand). VCF-style: chr22-50465794-G-A. GRCh37 (hg19) VCF-style: chr22-50904223-G-A.
Other names: p.Pro353Leu; c.1061C>T, p.Pro354Leu (NM_001365819.1); short protein forms P353L, P354L.
Identifiers: ClinVar variation 721650 (VCV000721650.15), dbSNP rs185916020, ClinGen allele CA10317854.
Genomic context (GRCh38, chr22:50,465,794, plus strand): 5'-CCCCATGCAGGAGCAGCAACGACCCCCACCTGCATCTTCAGGGAGGAGGTGGATGTCGTG[G>A]GCGGAGGGAAGGCGAGGTCAGCCAACTCCAGCTCCGGGTCCAGGACCTGCCAGCACAGAA-3'
Protein context (NP_002963.2, residues 343-363): LELADLAFPP[Pro353Leu]TTSTSSLKMQ